The following is an entry in ClinVar:

ClinVar aggregate classification (germline): Uncertain significance (1 of 4 stars; one submission).

Submission:

GeneDx
Classification: Uncertain significance. Last evaluated: 2025-07-24. Review status: criteria provided, single submitter. Criteria: GeneDx Variant Classification Process June 2021. Collection method: clinical testing. Allele origin: germline. Affected: yes.
Comment: Not observed at significant frequency in large population cohorts (gnomAD); Missense variant in a gene in which most reported pathogenic variants are truncating/loss of function; Has not been previously published as pathogenic or benign to our knowledge

NM_001267550.2(TTN):c.20424G>C (p.Lys6808Asn)

Gene: TTN (titin; minus strand). Cytogenetic location: 2q31.2.
Variant type: single nucleotide variant.
Coding change: c.20424G>C on transcript NM_001267550.2 (MANE Select); coding-DNA position 20424, G replaced by C.
Protein change: p.Lys6808Asn; replaces lysine 6808 with asparagine.
Molecular consequence: missense variant. On other transcripts: intron variant (3).
Genome position (GRCh38, 1-based): chr2:178,725,898, C>G on the plus strand (G>C on the coding strand, the complement: TTN is on the minus strand). VCF-style: chr2-178725898-C-G. GRCh37 (hg19) VCF-style: chr2-179590625-C-G.
Other names: c.19473G>C, p.Lys6491Asn (NM_001256850.1); c.16692G>C, p.Lys5564Asn (NM_133378.4); c.13282+12184G>C (NM_003319.4); c.13858+12184G>C (NM_133437.4); c.13657+12184G>C (NM_133432.3); short protein forms K5564N, K6491N, K6808N.
Identifiers: ClinVar variation 4686999 (VCV004686999.1).